The following is an entry in ClinVar:

NM_032208.3(ANTXR1):c.609C>T (p.Asp203=)

Gene: ANTXR1 (ANTXR cell adhesion molecule 1; plus strand). Cytogenetic location: 2p13.3.
Variant type: single nucleotide variant.
Coding change: c.609C>T on transcript NM_032208.3 (MANE Select); coding-DNA position 609, C replaced by T.
Protein change: p.Asp203=; no amino-acid change (aspartic acid 203 retained).
Molecular consequence: synonymous variant.
Genome position (GRCh38, 1-based): chr2:69,077,455, C>T. VCF-style: chr2-69077455-C-T. GRCh37 (hg19) VCF-style: chr2-69304587-C-T.
Other names: c.609C>T, p.Asp203= (NM_001410840.1, NM_018153.3, NM_053034.2).
Identifiers: ClinVar variation 3048846 (VCV003048846.2), dbSNP rs778922656, ClinGen allele CA1692953.

ClinVar aggregate classification (germline): Likely benign (0 of 4 stars; one submission).

Conditions:
ANTXR1-related disorder. Also called: ANTXR1-related condition.

Allele frequency attached by ClinVar (database versions not stated): gnomAD 0.00001; gnomAD exomes 0.00001; TOPMed 0.00004; ExAC 0.00007.
gnomAD v4.1: 24 of 1,614,040 alleles (0.0015%); highest among the groups gnomAD compares: East Asian, 0.029%; no homozygotes.

Submission:

PreventionGenetics, part of Exact Sciences
Classification: Likely benign for ANTXR1-related condition. Last evaluated: 2019-12-09. Review status: no assertion criteria provided. Collection method: clinical testing. Allele origin: germline.
Comment: This variant is classified as likely benign based on ACMG/AMP sequence variant interpretation guidelines (Richards et al. 2015 PMID: 25741868, with internal and published modifications).